The following is an entry in ClinVar:

ClinVar aggregate classification (germline): Uncertain significance (1 of 4 stars; one submission).

Conditions:
Megaconial type congenital muscular dystrophy (MDCMC). Also called: MUSCULAR DYSTROPHY, CONGENITAL, WITH MITOCHONDRIAL STRUCTURAL ABNORMALITIES; CHKB-Related Muscular Dystrophy; CHKB-Related Muscle Diseases. Identifiers: Orphanet 280671, MedGen C1865233, MONDO:0011246, OMIM 602541.

Submission:

Labcorp Genetics (formerly Invitae), Labcorp
Classification: Uncertain significance for Megaconial type congenital muscular dystrophy. Last evaluated: 2018-11-20. Review status: criteria provided, single submitter. Criteria: Invitae Variant Classification Sherloc (09022015). Collection method: clinical testing. Allele origin: germline.
Comment: In summary, the available evidence is currently insufficient to determine the role of this variant in disease. Therefore, it has been classified as a Variant of Uncertain Significance. Algorithms developed to predict the effect of missense changes on protein structure and function are either unavailable or do not agree on the potential impact of this missense change (SIFT: "Deleterious"; PolyPhen-2: "Probably Damaging"; Align-GVGD: "Class C0"). This variant has not been reported in the literature in individuals with CHKB-related disease. This variant is not present in population databases (ExAC no frequency). This sequence change replaces tryptophan with cysteine at codon 61 of the CHKB protein (p.Trp61Cys). The tryptophan residue is highly conserved and there is a large physicochemical difference between tryptophan and cysteine.

NM_005198.5(CHKB):c.183G>T (p.Trp61Cys)

Genes: CHKB-CPT1B (CHKB-CPT1B readthrough (NMD candidate); minus strand), CHKB (choline kinase beta; minus strand). Cytogenetic location: 22q13.33.
Variant type: single nucleotide variant.
Coding change: c.183G>T on transcript NM_005198.5 (MANE Select); coding-DNA position 183, G replaced by T.
Protein change: p.Trp61Cys; replaces tryptophan 61 with cysteine.
Molecular consequence: missense variant. On other transcripts: non-coding transcript variant (1).
Genome position (GRCh38, 1-based): chr22:50,582,599, C>A on the plus strand (G>T on the coding strand, the complement: CHKB is on the minus strand). VCF-style: chr22-50582599-C-A. GRCh37 (hg19) VCF-style: chr22-51021028-C-A.
Other names: short protein forms W61C.
Identifiers: ClinVar variation 650064 (VCV000650064.8), dbSNP rs1603443790, ClinGen allele CA412203154.